The following is an entry in ClinVar:

NM_000051.4(ATM):c.8323C>G (p.Pro2775Ala)

Genes: C11orf65 (chromosome 11 open reading frame 65; minus strand), ATM (ATM serine/threonine kinase; plus strand). Cytogenetic location: 11q22.3.
Variant type: single nucleotide variant.
Coding change: c.8323C>G on transcript NM_000051.4 (MANE Select); coding-DNA position 8323, C replaced by G.
Protein change: p.Pro2775Ala; replaces proline 2775 with alanine.
Molecular consequence: missense variant. On other transcripts: intron variant (2).
Genome position (GRCh38, 1-based): chr11:108,343,276, C>G. VCF-style: chr11-108343276-C-G. GRCh37 (hg19) VCF-style: chr11-108214003-C-G.
Other names: c.8323C>G, p.Pro2775Ala (NM_001351834.2); c.641-34205G>C (NM_001330368.2); c.695-7984G>C (NM_001351110.2); short protein forms P2775A.
Identifiers: ClinVar variation 3802115 (VCV003802115.1).
Genomic context (GRCh38, chr11:108,343,276, plus strand): 5'-CTCCAGGTGGTTCCCCTCTCTCAGCGAAGTGGTGTTCTTGAATGGTGCACAGGAACTGTC[C>G]CCATTGGTGAATTTCTTGTTAACAATGAAGATGGTGCTCATAAAAGATACAGGCCAAATG-3'
Protein context (NP_000042.3, residues 2765-2785): GVLEWCTGTV[Pro2775Ala]IGEFLVNNED

ClinVar aggregate classification (germline): Uncertain significance (1 of 4 stars; one submission).

Conditions:
Hereditary cancer-predisposing syndrome. Also called: Neoplastic Syndromes, Hereditary; Tumor predisposition; Hereditary Cancer Syndrome; Hereditary neoplastic syndrome. Identifiers: Orphanet 140162, MedGen C0027672, MeSH D009386, MONDO:0015356.

Submission:

Ambry Genetics
Classification: Uncertain significance for Hereditary cancer-predisposing syndrome. Last evaluated: 2025-01-21. Review status: criteria provided, single submitter. Criteria: Ambry Variant Classification Scheme 2023. Collection method: clinical testing. Allele origin: germline.
Comment: The p.P2775A variant (also known as c.8323C>G), located in coding exon 56 of the ATM gene, results from a C to G substitution at nucleotide position 8323. The proline at codon 2775 is replaced by alanine, an amino acid with highly similar properties. This amino acid position is conserved. In addition, this alteration is predicted to be deleterious by in silico analysis. Based on the available evidence, the clinical significance of this variant remains unclear.